The following is an entry in ClinVar:

NM_002335.4(LRP5):c.181G>C (p.Gly61Arg)

Gene: LRP5 (LDL receptor related protein 5; plus strand). Cytogenetic location: 11q13.2.
Variant type: single nucleotide variant.
Coding change: c.181G>C on transcript NM_002335.4 (MANE Select); coding-DNA position 181, G replaced by C.
Protein change: p.Gly61Arg; replaces glycine 61 with arginine.
Molecular consequence: missense variant. On other transcripts: 5 prime UTR variant (1).
Genome position (GRCh38, 1-based): chr11:68,347,936, G>C. VCF-style: chr11-68347936-G-C. GRCh37 (hg19) VCF-style: chr11-68115404-G-C.
Other names: c.-1585G>C (NM_001291902.2); short protein forms G61R.
Identifiers: ClinVar variation 3634221 (VCV003634221.2).
Genomic context (GRCh38, chr11:68,347,936, plus strand): 5'-CGGGACGTACGGCTGGTGGACGCCGGCGGAGTCAAGCTGGAGTCCACCATCGTGGTCAGC[G>C]GCCTGGAGGATGCGGCCGCAGTGGACTTCCAGTTTTCCAAGGGAGCCGTGTACTGGACAG-3'
Protein context (NP_002326.2, residues 51-71): VKLESTIVVS[Gly61Arg]LEDAAAVDFQ

ClinVar aggregate classification (germline): Uncertain significance (1 of 4 stars; one submission).

Submission:

Labcorp Genetics (formerly Invitae), Labcorp
Classification: Uncertain significance. Last evaluated: 2024-05-13. Review status: criteria provided, single submitter. Criteria: Invitae Variant Classification Sherloc (09022015). Collection method: clinical testing. Allele origin: germline.
Comment: This sequence change replaces glycine, which is neutral and non-polar, with arginine, which is basic and polar, at codon 61 of the LRP5 protein (p.Gly61Arg). This variant is not present in population databases (gnomAD no frequency). This variant has not been reported in the literature in individuals affected with LRP5-related conditions. Advanced modeling of protein sequence and biophysical properties (such as structural, functional, and spatial information, amino acid conservation, physicochemical variation, residue mobility, and thermodynamic stability) has been performed at Invitae for this missense variant, however the output from this modeling did not meet the statistical confidence thresholds required to predict the impact of this variant on LRP5 protein function. In summary, the available evidence is currently insufficient to determine the role of this variant in disease. Therefore, it has been classified as a Variant of Uncertain Significance.